The following is an entry in ClinVar:

ClinVar aggregate classification (germline): Uncertain significance (1 of 4 stars; one submission).

Conditions:
Hereditary cancer-predisposing syndrome. Also called: Hereditary Cancer Syndrome; Hereditary neoplastic syndrome; Neoplastic Syndromes, Hereditary; Tumor predisposition. Identifiers: Orphanet 140162, MedGen C0027672, MeSH D009386, MONDO:0015356.

Submission:

Ambry Genetics
Classification: Uncertain significance for Hereditary cancer-predisposing syndrome. Last evaluated: 2026-07-20. Review status: criteria provided, single submitter. Criteria: Ambry Variant Classification Scheme 2023. Collection method: clinical testing. Allele origin: germline.
Comment: The p.K151T variant (also known as c.452A>C), located in coding exon 5 of the SDHB gene, results from an A to C substitution at nucleotide position 452. The lysine at codon 151 is replaced by threonine, an amino acid with similar properties. This amino acid position is highly conserved in available vertebrate species. In addition, this alteration is predicted to be deleterious by in silico analysis. Based on the available evidence, the clinical significance of this variant remains unclear.

NM_003000.3(SDHB):c.452A>C (p.Lys151Thr)

Gene: SDHB (succinate dehydrogenase complex iron sulfur subunit B; minus strand). Cytogenetic location: 1p36.13.
Variant type: single nucleotide variant.
Coding change: c.452A>C on transcript NM_003000.3 (MANE Select); coding-DNA position 452, A replaced by C.
Protein change: p.Lys151Thr; replaces lysine 151 with threonine.
Molecular consequence: missense variant.
Genome position (GRCh38, 1-based): chr1:17,027,837, T>G on the plus strand (A>C on the coding strand, the complement: SDHB is on the minus strand). VCF-style: chr1-17027837-T-G. GRCh37 (hg19) VCF-style: chr1-17354332-T-G.
Other names: c.398A>C, p.Lys133Thr (NM_001407361.1); short protein forms K133T, K151T.
Identifiers: ClinVar variation 1741248 (VCV001741248.4), dbSNP rs2525017982, ClinGen allele CA338273147.
Genomic context (GRCh38, chr1:17,027,837, plus strand): 5'-AGATACTGCTGCTTGCCTTCCTGAGATTCATCCTTCTTCTTCAAATAAGGCTCAATGGAT[T>G]TGTACTGTGCATAGAAGTTGCTCAAATCCTGTGGTTAAGAGGAAGAAGAAGAAGAAGAAG-3'
Protein context (NP_002991.2, residues 141-161): PDLSNFYAQY[Lys151Thr]SIEPYLKKKD